The following is an entry in ClinVar:

NM_004281.4(BAG3):c.142A>G (p.Thr48Ala)

Gene: BAG3 (BAG cochaperone 3; plus strand). Cytogenetic location: 10q26.11.
Variant type: single nucleotide variant.
Coding change: c.142A>G on transcript NM_004281.4 (MANE Select); coding-DNA position 142, A replaced by G.
Protein change: p.Thr48Ala; replaces threonine 48 with alanine.
Molecular consequence: missense variant.
Genome position (GRCh38, 1-based): chr10:119,651,817, A>G. VCF-style: chr10-119651817-A-G. GRCh37 (hg19) VCF-style: chr10-121411329-A-G.
Other names: short protein forms T48A.
Identifiers: ClinVar variation 3984893 (VCV003984893.2).

ClinVar aggregate classification (germline): Uncertain significance. Review status: criteria provided, multiple submitters, no conflicts (2 of 4 stars). 2 submissions from 2 submitters: Uncertain significance (2). Last evaluated 2025-08-23.

Conditions:
Dilated cardiomyopathy 1HH (CMD1HH). Identifiers: Orphanet 154, MedGen C3151293, MONDO:0013479, OMIM 613881.
Myofibrillar myopathy 6. Identifiers: Orphanet 199340, MedGen C2751831, MONDO:0013061, OMIM 612954.
Cardiovascular phenotype. Identifiers: MedGen CN230736.

Submissions (2):

Labcorp Genetics (formerly Invitae), Labcorp
Classification: Uncertain significance for Dilated cardiomyopathy 1HH; Myofibrillar myopathy 6. Last evaluated: 2025-08-23. Review status: criteria provided, single submitter. Criteria: Invitae Variant Classification Sherloc (09022015). Collection method: clinical testing. Allele origin: germline.
Comment: This sequence change replaces threonine, which is neutral and polar, with alanine, which is neutral and non-polar, at codon 48 of the BAG3 protein (p.Thr48Ala). This variant is not present in population databases (gnomAD no frequency). This variant has not been reported in the literature in individuals affected with BAG3-related conditions. ClinVar contains an entry for this variant (Variation ID: 3984893). An algorithm developed to predict the effect of missense changes on protein structure and function (PolyPhen-2) suggests that this variant is likely to be disruptive. In summary, the available evidence is currently insufficient to determine the role of this variant in disease. Therefore, it has been classified as a Variant of Uncertain Significance.

Ambry Genetics
Classification: Uncertain significance for Cardiovascular phenotype. Last evaluated: 2025-04-30. Review status: criteria provided, single submitter. Criteria: Ambry Variant Classification Scheme 2023. Collection method: clinical testing. Allele origin: germline.